The following is an entry in ClinVar:

ClinVar aggregate classification (germline): Uncertain significance (1 of 4 stars; one submission).

Conditions:
Hyper-IgE recurrent infection syndrome 1, autosomal dominant. Also called: STAT3 Hyper IgE Syndrome; Hyper-IgE recurrent infection syndrome 1; JOB SYNDROME; Job's Syndrome; HYPER-IgE SYNDROME 1, AUTOSOMAL DOMINANT, WITH RECURRENT INFECTIONS. Identifiers: Orphanet 2314, MedGen C2936739, MONDO:0007818, OMIM 147060.
STAT3 gain of function. Identifiers: MedGen C4288261.

Submission:

Labcorp Genetics (formerly Invitae), Labcorp
Classification: Uncertain significance for STAT3 gain of function; Hyper-IgE recurrent infection syndrome 1, autosomal dominant. Last evaluated: 2024-03-25. Review status: criteria provided, single submitter. Criteria: Invitae Variant Classification Sherloc (09022015). Collection method: clinical testing. Allele origin: germline.
Comment: This sequence change falls in intron 4 of the STAT3 gene. It does not directly change the encoded amino acid sequence of the STAT3 protein. It affects a nucleotide within the consensus splice site. This variant is not present in population databases (gnomAD no frequency). This variant has not been reported in the literature in individuals affected with STAT3-related conditions. Variants that disrupt the consensus splice site are a relatively common cause of aberrant splicing (PMID: 17576681, 9536098). Algorithms developed to predict the effect of sequence changes on RNA splicing suggest that this variant may disrupt the consensus splice site. In summary, the available evidence is currently insufficient to determine the role of this variant in disease. Therefore, it has been classified as a Variant of Uncertain Significance.

Literature cited by the submitters: PubMed 17576681; PubMed 9536098.

NM_139276.3(STAT3):c.373-3C>G

Gene: STAT3 (signal transducer and activator of transcription 3; minus strand). Cytogenetic location: 17q21.2.
Variant type: single nucleotide variant.
Coding change: c.373-3C>G on transcript NM_139276.3 (MANE Select); 3 bases into the intron before coding-DNA position 373, C replaced by G.
Molecular consequence: intron variant.
Genome position (GRCh38, 1-based): chr17:42,339,412, G>C on the plus strand (C>G on the coding strand, the complement: STAT3 is on the minus strand). VCF-style: chr17-42339412-G-C. GRCh37 (hg19) VCF-style: chr17-40491430-G-C.
Other names: c.373-600C>G (NM_001384989.1); c.373-3C>G (NM_001384992.1, NM_001384984.1, NM_001369519.1 and 15 more transcripts); c.295-3C>G (NM_001384985.1).
Identifiers: ClinVar variation 3755404 (VCV003755404.2).